The following is an entry in ClinVar:

NM_015443.4(KANSL1):c.2791C>T (p.Arg931Trp)

Gene: KANSL1 (KAT8 regulatory NSL complex subunit 1). Cytogenetic location: 17q21.31.
Variant type: single nucleotide variant.
Coding change: c.2791C>T on transcript NM_015443.4 (MANE Select); coding-DNA position 2791, C replaced by T.
Protein change: p.Arg931Trp; replaces arginine 931 with tryptophan.
Molecular consequence: missense variant.
Genome position (GRCh38, 1-based): chr17:46,033,126, G>A on the plus strand (C>T on the coding strand, the complement: KANSL1 is on the minus strand). VCF-style: chr17-46033126-G-A. GRCh37 (hg19) VCF-style: chr17-44110492-G-A.
Other names: p.R931W:CGG>TGG; c.2788C>T, p.Arg930Trp (NM_001193465.2); c.2791C>T, p.Arg931Trp (NM_001193466.2, NM_001379198.1); short protein forms R931W, R930W.
Identifiers: ClinVar variation 205750 (VCV000205750.10), dbSNP rs377108187, ClinGen allele CA315128.

ClinVar aggregate classification (germline): Conflicting classifications of pathogenicity. Review status: criteria provided, conflicting classifications (1 of 4 stars). 4 submissions from 4 submitters: Uncertain significance (3); Likely benign (1). Last evaluated 2026-04-06.

Conditions:
Koolen-de Vries syndrome (KDVS). Identifiers: Orphanet 96169, MedGen C1864871, MONDO:0012496, OMIM 610443.

Allele frequency attached by ClinVar (database versions not stated): gnomAD 0.00002; gnomAD exomes 0.00003; ExAC 0.00005; TOPMed 0.00006; ESP Exome Variant Server 0.00008.
gnomAD v4.1: 9 of 1,603,558 alleles (0.00056%); highest among the groups gnomAD compares: African/African-American, 0.008%; no homozygotes.

Submissions (4):

Women's Health and Genetics/Laboratory Corporation of America, LabCorp
Classification: Uncertain significance. Last evaluated: 2026-04-06. Review status: criteria provided, single submitter. Criteria: LabCorp Variant Classification Summary - May 2015. Collection method: clinical testing. Allele origin: germline.
Comment: Variant summary: KANSL1 c.2791C>T (p.Arg931Trp) results in a non-conservative amino acid change in the encoded protein sequence. Algorithms developed to predict the effect of missense changes on protein structure and function are either unavailable or do not agree on the potential impact of this missense change. The variant allele was found at a frequency of 2.6e-05 in 232320 control chromosomes. The available data on variant occurrences in the general population are insufficient to allow any conclusion about variant significance. To our knowledge, no occurrence of c.2791C>T in individuals affected with KANSL1-related conditions and no experimental evidence demonstrating its impact on protein function have been reported. ClinVar contains an entry for this variant (Variation ID: 205750). Based on the evidence outlined above, the variant was classified as uncertain significance.

Labcorp Genetics (formerly Invitae), Labcorp
Classification: Uncertain significance for Koolen-de Vries syndrome. Last evaluated: 2025-01-13. Review status: criteria provided, single submitter. Criteria: Invitae Variant Classification Sherloc (09022015). Collection method: clinical testing. Allele origin: germline.
Comment: This sequence change replaces arginine, which is basic and polar, with tryptophan, which is neutral and slightly polar, at codon 931 of the KANSL1 protein (p.Arg931Trp). The frequency data for this variant in the population databases is considered unreliable, as metrics indicate poor data quality at this position in the gnomAD database. This variant has not been reported in the literature in individuals affected with KANSL1-related conditions. ClinVar contains an entry for this variant (Variation ID: 205750). Invitae Evidence Modeling of protein sequence and biophysical properties (such as structural, functional, and spatial information, amino acid conservation, physicochemical variation, residue mobility, and thermodynamic stability) indicates that this missense variant is expected to disrupt KANSL1 protein function with a positive predictive value of 80%. In summary, the available evidence is currently insufficient to determine the role of this variant in disease. Therefore, it has been classified as a Variant of Uncertain Significance.

Fulgent Genetics
Classification: Uncertain significance for Koolen-de Vries syndrome. Last evaluated: 2024-01-30. Review status: criteria provided, single submitter. Criteria: ACMG Guidelines, 2015. Collection method: clinical testing. Allele origin: germline.

GeneDx
Classification: Likely benign. Last evaluated: 2017-10-23. Review status: criteria provided, single submitter. Criteria: GeneDx Variant Classification (06012015). Collection method: clinical testing. Allele origin: germline. Affected: yes.
Comment: This variant is considered likely benign or benign based on one or more of the following criteria: it is a conservative change, it occurs at a poorly conserved position in the protein, it is predicted to be benign by multiple in silico algorithms, and/or has population frequency not consistent with disease.